The following is an entry in ClinVar:

NM_172245.4(CSF2RA):c.*51G>A

Gene: CSF2RA (colony stimulating factor 2 receptor subunit alpha; plus strand). Cytogenetic location: Xp22.33.
Variant type: single nucleotide variant.
Coding change: c.*51G>A on transcript NM_172245.4 (MANE Select); 51 bases downstream of the stop codon, G replaced by A.
Molecular consequence: 3 prime UTR variant. On other transcripts: missense variant (1), non-coding transcript variant (1), intron variant (6).
Genome position (GRCh38, 1-based): chrX:1,309,530, G>A. VCF-style: chrX-1309530-G-A. GRCh37 (hg19) VCF-style: chrX-1428423-G-A.
Other names: c.*51G>A (NM_001161529.2, NM_001161530.2, NM_001161532.2 and 8 more transcripts); c.*155G>A (NM_001379167.1, NM_001379168.1, NM_001379169.1 and 2 more transcripts); c.1075G>A, p.Gly359Arg (NM_172246.4); c.1125+4003G>A (NM_001379163.1, NM_001379162.1, NM_001379164.1 and 2 more transcripts); c.1126-2739G>A (NM_001379159.1); short protein forms G359R.
Identifiers: ClinVar variation 3032875 (VCV003032875.2), dbSNP rs143398916, ClinGen allele CA10331308.

ClinVar aggregate classification (germline): Likely benign (0 of 4 stars; one submission).

Conditions:
CSF2RA-related disorder. Also called: CSF2RA-related condition.

Allele frequency attached by ClinVar (database versions not stated): 1000 Genomes Project 0.00397; 1000 Genomes Project 30x 0.00416; ESP Exome Variant Server 0.00423; TOPMed 0.00428; gnomAD 0.00478; ExAC 0.00581.
gnomAD v4.1: 9,851 of 1,613,952 alleles (0.61%); highest among the groups gnomAD compares: South Asian, 1.7%; 48 homozygotes.

Submission:

PreventionGenetics, part of Exact Sciences
Classification: Likely benign for CSF2RA-related condition. Last evaluated: 2020-10-26. Review status: no assertion criteria provided. Collection method: clinical testing. Allele origin: germline.
Comment: This variant is classified as likely benign based on ACMG/AMP sequence variant interpretation guidelines (Richards et al. 2015 PMID: 25741868, with internal and published modifications).